The following is an entry in ClinVar:

NM_002109.6(HARS1):c.1462G>A (p.Asp488Asn)

Gene: HARS1 (histidyl-tRNA synthetase 1; minus strand). Cytogenetic location: 5q31.3.
Variant type: single nucleotide variant.
Coding change: c.1462G>A on transcript NM_002109.6 (MANE Select); coding-DNA position 1462, G replaced by A.
Protein change: p.Asp488Asn; replaces aspartic acid 488 with asparagine.
Molecular consequence: missense variant.
Genome position (GRCh38, 1-based): chr5:140,674,325, C>T on the plus strand (G>A on the coding strand, the complement: HARS1 is on the minus strand). VCF-style: chr5-140674325-C-T. GRCh37 (hg19) VCF-style: chr5-140053910-C-T.
Other names: c.1342G>A, p.Asp448Asn (NM_001258040.3); c.1402G>A, p.Asp468Asn (NM_001258041.3); c.1282G>A, p.Asp428Asn (NM_001258042.3); c.1240G>A, p.Asp414Asn (NM_001289092.2); c.1120G>A, p.Asp374Asn (NM_001289093.2); c.1375G>A, p.Asp459Asn (NM_001289094.2); c.1462G>A (NM_002109.3); short protein forms D428N, D468N, D488N, D374N, D414N, D448N, D459N.
Identifiers: ClinVar variation 933369 (VCV000933369.10), dbSNP rs771603866, ClinGen allele CA3443801.
Genomic context (GRCh38, chr5:140,674,325, plus strand): 5'-TGCAGAGGGGCTGGCCTGTTCTCCTTTTGATTTCCTCCACAAGGTCTTCTCTTCGGACAT[C>T]CACCTGGCCAGGATGGGAGAAGAAGGTGGTATAAGCATCTTCCATTCCACTGCTCCCCGA-3'
Protein context (NP_002100.2, residues 478-498): LRSVTSREEV[Asp488Asn]VRREDLVEEI

ClinVar aggregate classification (germline): Conflicting classifications of pathogenicity. Review status: criteria provided, conflicting classifications (1 of 4 stars). 2 submissions from 2 submitters: Uncertain significance (1); Likely benign (1). Last evaluated 2025-11-26.

Conditions:
Usher syndrome type 3B. Also called: USHER SYNDROME, TYPE IIIB. Identifiers: MedGen C3281066, MONDO:0013788, OMIM 614504.

Allele frequency attached by ClinVar (database versions not stated): ExAC 0.00001; gnomAD exomes 0.00001; TOPMed 0.00001; gnomAD 0.00002 and 0.00003.
gnomAD v4.1: 6 of 1,608,450 alleles (0.00037%); highest among the groups gnomAD compares: African/African-American, 0.008%; no homozygotes.

Submissions (2):

Labcorp Genetics (formerly Invitae), Labcorp
Classification: Uncertain significance for Usher syndrome type 3B. Last evaluated: 2025-11-26. Review status: criteria provided, single submitter. Criteria: Invitae Variant Classification Sherloc (09022015). Collection method: clinical testing. Allele origin: germline.
Comment: This sequence change replaces aspartic acid, which is acidic and polar, with asparagine, which is neutral and polar, at codon 488 of the HARS protein (p.Asp488Asn). The frequency data for this variant in the population databases is considered unreliable, as metrics indicate poor data quality at this position in the gnomAD database. This variant has not been reported in the literature in individuals affected with HARS-related conditions. ClinVar contains an entry for this variant (Variation ID: 933369). Invitae Evidence Modeling of protein sequence and biophysical properties (such as structural, functional, and spatial information, amino acid conservation, physicochemical variation, residue mobility, and thermodynamic stability) indicates that this missense variant is not expected to disrupt HARS protein function with a negative predictive value of 80%. In summary, the available evidence is currently insufficient to determine the role of this variant in disease. Therefore, it has been classified as a Variant of Uncertain Significance.

Ambry Genetics
Classification: Likely benign. Last evaluated: 2025-02-25. Review status: criteria provided, single submitter. Criteria: Ambry Variant Classification Scheme 2023. Collection method: clinical testing. Allele origin: germline.